The following is an entry in ClinVar:

ClinVar aggregate classification (germline): Likely benign. Review status: criteria provided, multiple submitters, no conflicts (2 of 4 stars). 2 submissions from 2 submitters: Likely benign (2). Last evaluated 2018-01-13.

Conditions:
Autosomal recessive nonsyndromic hearing loss 29. Identifiers: Orphanet 90636, MedGen C3279660, MONDO:0013537, OMIM 614035.

Allele frequency attached by ClinVar (database versions not stated): gnomAD 0.06423 and 0.06615; TOPMed 0.06647; 1000 Genomes Project 0.09485; 1000 Genomes Project 30x 0.09775.

Submissions (2):

Illumina Laboratory Services, Illumina
Classification: Likely benign for Autosomal recessive nonsyndromic hearing loss 29. Last evaluated: 2018-01-13. Review status: criteria provided, single submitter. Criteria: ICSL Variant Classification Criteria 13 December 2019. Collection method: clinical testing. Allele origin: germline.
Comment: This variant was observed in the ICSL laboratory as part of a predisposition screen in an ostensibly healthy population. It had not been previously curated by ICSL or reported in the Human Gene Mutation Database (HGMD: prior to June 1st, 2018), and was therefore a candidate for classification through an automated scoring system. Utilizing variant allele frequency, disease prevalence and penetrance estimates, and inheritance mode, an automated score was calculated to assess if this variant is too frequent to cause the disease. Based on the score and internal cut-off values, a variant classified as likely benign is not then subjected to further curation. The score for this variant resulted in a classification of likely benign for this disease.

Breakthrough Genomics
Classification: Likely benign. Review status: criteria provided, single submitter. Criteria: ACMG Guidelines, 2015. Collection method: not provided. Allele origin: germline. Inheritance: Autosomal recessive inheritance. Affected: yes.

NM_001146079.2(CLDN14):c.-82+2024G>A

Genes: CLDN14 (claudin 14; minus strand), CLDN14-AS1 (CLDN14 antisense RNA 1; plus strand). Cytogenetic location: 21q22.13.
Variant type: single nucleotide variant.
Coding change: c.-82+2024G>A on transcript NM_001146079.2 (MANE Select); 2024 bases into the intron after 82 bases upstream of the start codon, G replaced by A.
Molecular consequence: intron variant. On other transcripts: 5 prime UTR variant (1).
Genome position (GRCh38, 1-based): chr21:36,477,471, C>T on the plus strand (G>A on the coding strand, the complement: CLDN14 is on the minus strand). VCF-style: chr21-36477471-C-T. GRCh37 (hg19) VCF-style: chr21-37849769-C-T.
Other names: c.-179G>A (NM_144492.3); c.-81-15695G>A (NM_001146077.2, NM_001146078.3).
Identifiers: ClinVar variation 339896 (VCV000339896.6), dbSNP rs73902533, ClinGen allele CA10652936.
Genomic context (GRCh38, chr21:36,477,471, plus strand): 5'-CTGCCATGGAAGAGCCTTTTAAAAACAAAGCTCTTGCTGGTCTCCAGTGCCCAAGAGTGG[C>T]CGCCAGTGGAAACAGACCTGGTGTTCTAAATCTCAGTTTTTGTTTCTTTCTTCTTCCAAG-3'